The following is an entry in ClinVar:

NM_006785.4(MALT1):c.1912-5del

Gene: MALT1 (MALT1 paracaspase; plus strand). Cytogenetic location: 18q21.32.
Variant type: Deletion.
Coding change: c.1912-5del on transcript NM_006785.4 (MANE Select); 5 bases into the intron before coding-DNA position 1912, one base deleted (T; older notation c.1912-5delT).
Molecular consequence: intron variant.
Genome position (GRCh38, 1-based): chr18:58,745,661, T deleted; the last of 11 consecutive T bases (chr18:58,745,651-58,745,661); deleting any one gives the same sequence. VCF-style (leftmost placement, unchanged base first): chr18-58745650-AT-A. GRCh37 (hg19) VCF-style: chr18-56412882-AT-A.
Other names: c.1879-5del (NM_173844.3); c.1912-5delT (NM_006785.4).
Identifiers: ClinVar variation 811658 (VCV000811658.21), dbSNP rs199915155, ClinGen allele CA8978020.
Genomic context (GRCh38, chr18:58,745,650, plus strand): 5'-GATGTCTTATGTACTAGATTATATTGTGGCTTTCATTGATTTCATTATTAACAGTCCCTA[AT>A]TTTTTTTTTTACAGGATCTAGATATTGATCCAAAAGATGCAAATAAAGGCACACCTGAAG-3'

ClinVar aggregate classification (germline): Benign. Review status: criteria provided, multiple submitters, no conflicts (2 of 4 stars). 3 submissions from 3 submitters: Benign (3). Last evaluated 2026-01-29.

Conditions:
Combined immunodeficiency due to MALT1 deficiency. Also called: Immunodeficiency 12. Identifiers: Orphanet 397964, MedGen C3809583, MONDO:0014197, OMIM 615468.

Submissions (6):

Women's Health and Genetics/Laboratory Corporation of America, LabCorp
Classification: Benign. Last evaluated: 2026-01-29. Review status: criteria provided, single submitter. Criteria: LabCorp Variant Classification Summary - May 2015. Collection method: clinical testing. Allele origin: germline.
Comment: Variant summary: MALT1 c.1912-5delT alters a nucleotide located at a position not widely known to affect splicing. Consensus agreement among computation tools predict no significant impact on normal splicing. However, these predictions have yet to be confirmed by functional studies. The variant allele was found at a frequency of 0.013 in 995078 control chromosomes in the gnomAD database, including 4 homozygotes. The observed variant frequency exceeds the estimated maximal expected allele frequency for disease-causing variants in MALT1. To our knowledge, no occurrence of c.1912-5delT in individuals affected with MALT1-related conditions and no experimental evidence demonstrating its impact on protein function have been reported. ClinVar contains an entry for this variant (Variation ID: 811658). Based on the evidence outlined above, the variant was classified as benign.

Labcorp Genetics (formerly Invitae), Labcorp
Classification: Benign for Combined immunodeficiency due to MALT1 deficiency. Last evaluated: 2026-01-28. Review status: criteria provided, single submitter. Criteria: Invitae Variant Classification Sherloc (09022015). Collection method: clinical testing. Allele origin: germline.

ARUP Laboratories, Molecular Genetics and Genomics, ARUP Laboratories
Classification: Benign for Combined immunodeficiency due to MALT1 deficiency. Last evaluated: 2023-11-09. Review status: criteria provided, single submitter. Criteria: ARUP Molecular Germline Variant Investigation Process 2024. Collection method: clinical testing. Allele origin: germline.

Dr. Peter K. Rogan Lab, Western University
No classification provided (evidence only). Condition: Cervical cancer. Review status: no classification provided. Collection method: in vitro. Allele origin: not applicable. Functional consequence: retained intron. Not counted in ClinVar's aggregate classification.

Dr. Peter K. Rogan Lab, Western University
No classification provided (evidence only). Condition: Malignant lymphoma, large B-cell, diffuse. Review status: no classification provided. Collection method: in vitro. Allele origin: not applicable. Functional consequence: retained intron. Not counted in ClinVar's aggregate classification.

Dr. Peter K. Rogan Lab, Western University
No classification provided (evidence only). Condition: Gastric cancer. Review status: no classification provided. Collection method: in vitro. Allele origin: not applicable. Functional consequence: retained intron. Not counted in ClinVar's aggregate classification.